The following is an entry in ClinVar:

ClinVar aggregate classification (germline): Uncertain significance. Review status: criteria provided, multiple submitters, no conflicts (2 of 4 stars). 3 submissions from 3 submitters: Uncertain significance (3). Last evaluated 2025-05-05.

Conditions:
Schaaf-Yang syndrome (SHFYNG). Also called: Arthrogryposis, distal, with hypopituitarism, intellectual disability, and facial anomalies; MAGEL2-related Prader-Willi-like syndrome. Identifiers: Orphanet 398069, MedGen C5575066, MONDO:0014243, OMIM 615547.

Allele frequency attached by ClinVar (database versions not stated): gnomAD 0.00001; gnomAD exomes 0.00001.
gnomAD v4.1: 6 of 1,473,074 alleles (0.00041%); highest among the groups gnomAD compares: South Asian, 0.0069%; no homozygotes.

Submissions (3):

Labcorp Genetics (formerly Invitae), Labcorp
Classification: Uncertain significance. Last evaluated: 2025-05-05. Review status: criteria provided, single submitter. Criteria: Invitae Variant Classification Sherloc (09022015). Collection method: clinical testing. Allele origin: germline.
Comment: This sequence change replaces threonine, which is neutral and polar, with serine, which is neutral and polar, at codon 391 of the MAGEL2 protein (p.Thr391Ser). This variant is not present in population databases (gnomAD no frequency). This variant has not been reported in the literature in individuals affected with MAGEL2-related conditions. ClinVar contains an entry for this variant (Variation ID: 2433608). Experimental studies and prediction algorithms are not available or were not evaluated, and the functional significance of this variant is currently unknown. In summary, the available evidence is currently insufficient to determine the role of this variant in disease. Therefore, it has been classified as a Variant of Uncertain Significance.

GeneDx
Classification: Uncertain significance. Last evaluated: 2024-08-07. Review status: criteria provided, single submitter. Criteria: GeneDx Variant Classification Process June 2021. Collection method: clinical testing. Allele origin: germline. Affected: yes.
Comment: Not observed at significant frequency in large population cohorts (gnomAD); Has not been previously published as pathogenic or benign to our knowledge; In-silico analysis is inconclusive as to whether the variant impacts protein structure/function. In the absence of functional studies, the actual effect of this sequence change is unknown

Revvity Omics, Revvity
Classification: Uncertain significance for Schaaf-Yang syndrome. Last evaluated: 2022-11-23. Review status: criteria provided, single submitter. Criteria: ACMG Guidelines, 2015. Collection method: clinical testing. Allele origin: germline.

NM_019066.5(MAGEL2):c.1171A>T (p.Thr391Ser)

Gene: MAGEL2 (MAGE family member L2; minus strand). Cytogenetic location: 15q11.2.
Variant type: single nucleotide variant.
Coding change: c.1171A>T on transcript NM_019066.5 (MANE Select); coding-DNA position 1171, A replaced by T.
Protein change: p.Thr391Ser; replaces threonine 391 with serine.
Molecular consequence: missense variant.
Genome position (GRCh38, 1-based): chr15:23,646,572, T>A on the plus strand (A>T on the coding strand, the complement: MAGEL2 is on the minus strand). VCF-style: chr15-23646572-T-A. GRCh37 (hg19) VCF-style: chr15-23891719-T-A.
Other names: c.1171A>T (NM_019066.4); short protein forms T391S.
Identifiers: ClinVar variation 2433608 (VCV002433608.7), dbSNP rs1890410983, ClinGen allele CA391335020.